The following is an entry in ClinVar:

NM_020822.3(KCNT1):c.1788C>G (p.Ile596Met)

Gene: KCNT1 (potassium sodium-activated channel subfamily T member 1; plus strand). Cytogenetic location: 9q34.3.
Variant type: single nucleotide variant.
Coding change: c.1788C>G on transcript NM_020822.3 (MANE Select); coding-DNA position 1788, C replaced by G.
Protein change: p.Ile596Met; replaces isoleucine 596 with methionine.
Molecular consequence: missense variant.
Genome position (GRCh38, 1-based): chr9:135,770,875, C>G. VCF-style: chr9-135770875-C-G. GRCh37 (hg19) VCF-style: chr9-138662721-C-G.
Other names: c.1653C>G, p.Ile551Met (NM_001272003.2); short protein forms I551M, I596M.
Identifiers: ClinVar variation 2949027 (VCV002949027.3), dbSNP rs373444768, ClinGen allele CA375507907.

ClinVar aggregate classification (germline): Uncertain significance (1 of 4 stars; one submission).

Conditions:
Autosomal dominant nocturnal frontal lobe epilepsy 5. Also called: Epilepsy, nocturnal frontal lobe, 5; KCNT1-Related Epilepsy; CILIARY DYSKINESIA, PRIMARY, 28, WITHOUT SITUS INVERSUS; CILIARY DYSKINESIA, PRIMARY, 28, WITH SITUS INVERSUS. Identifiers: Orphanet 98784, MedGen C3554306, MONDO:0014002, OMIM 615005.
Developmental and epileptic encephalopathy, 14 (DEE14). Also called: Early infantile epileptic encephalopathy 14. Identifiers: Orphanet 293181, MedGen C3554195, MONDO:0013989, OMIM 614959.

Submission:

Labcorp Genetics (formerly Invitae), Labcorp
Classification: Uncertain significance for Autosomal dominant nocturnal frontal lobe epilepsy 5; Developmental and epileptic encephalopathy, 14. Last evaluated: 2023-06-19. Review status: criteria provided, single submitter. Criteria: Invitae Variant Classification Sherloc (09022015). Collection method: clinical testing. Allele origin: germline.
Comment: This sequence change replaces isoleucine, which is neutral and non-polar, with methionine, which is neutral and non-polar, at codon 596 of the KCNT1 protein (p.Ile596Met). In summary, the available evidence is currently insufficient to determine the role of this variant in disease. Therefore, it has been classified as a Variant of Uncertain Significance. Advanced modeling of protein sequence and biophysical properties (such as structural, functional, and spatial information, amino acid conservation, physicochemical variation, residue mobility, and thermodynamic stability) performed at Invitae indicates that this missense variant is not expected to disrupt KCNT1 protein function. This variant has not been reported in the literature in individuals affected with KCNT1-related conditions. This variant is not present in population databases (gnomAD no frequency).